The following is an entry in ClinVar:

NM_025243.4(SLC19A3):c.150+198A>G

Gene: SLC19A3 (solute carrier family 19 member 3; minus strand). Cytogenetic location: 2q36.3.
Variant type: single nucleotide variant.
Coding change: c.150+198A>G on transcript NM_025243.4 (MANE Select); 198 bases into the intron after coding-DNA position 150, A replaced by G.
Molecular consequence: intron variant.
Genome position (GRCh38, 1-based): chr2:227,701,971, T>C on the plus strand (A>G on the coding strand, the complement: SLC19A3 is on the minus strand). VCF-style: chr2-227701971-T-C. GRCh37 (hg19) VCF-style: chr2-228566687-T-C.
Identifiers: ClinVar variation 673770 (VCV000673770.2), dbSNP rs76278804, ClinGen allele CA66662511.

ClinVar aggregate classification (germline): Benign. Review status: criteria provided, multiple submitters, no conflicts (2 of 4 stars). 2 submissions from 2 submitters: Benign (2). Last evaluated 2018-06-16.

Allele frequency attached by ClinVar (database versions not stated): gnomAD exomes 0.00473; gnomAD 0.04161 and 0.04493; TOPMed 0.04593; 1000 Genomes Project 0.04653; 1000 Genomes Project 30x 0.05231.
gnomAD v4.1: 8,444 of 569,668 alleles (1.5%); highest among the groups gnomAD compares: African/African-American, 14%; 550 homozygotes.

Submissions (2):

GeneDx
Classification: Benign. Last evaluated: 2018-06-16. Review status: criteria provided, single submitter. Criteria: GeneDx Variant Classification (06012015). Collection method: clinical testing. Allele origin: germline. Affected: yes.
Comment: This variant is considered likely benign or benign based on one or more of the following criteria: it is a conservative change, it occurs at a poorly conserved position in the protein, it is predicted to be benign by multiple in silico algorithms, and/or has population frequency not consistent with disease.

Breakthrough Genomics
Classification: Benign. Review status: criteria provided, single submitter. Criteria: ACMG Guidelines, 2015. Collection method: not provided. Allele origin: germline. Inheritance: Autosomal recessive inheritance. Affected: yes.